The following is an entry in ClinVar:

NM_001354930.2(RIPK1):c.839-3C>T

Gene: RIPK1 (receptor interacting serine/threonine kinase 1; plus strand). Cytogenetic location: 6p25.2.
Variant type: single nucleotide variant.
Coding change: c.839-3C>T on transcript NM_001354930.2 (MANE Select); 3 bases into the intron before coding-DNA position 839, C replaced by T.
Molecular consequence: intron variant.
Genome position (GRCh38, 1-based): chr6:3,089,578, C>T. VCF-style: chr6-3089578-C-T. GRCh37 (hg19) VCF-style: chr6-3089812-C-T.
Other names: c.350-3C>T (NM_001354934.2, NM_001354933.2, NM_001317061.3 and 1 more transcripts); c.839-3C>T (NM_003804.6); c.701-3C>T (NM_001354931.2).
Identifiers: ClinVar variation 3656876 (VCV003656876.2).
Genomic context (GRCh38, chr6:3,089,578, plus strand): 5'-CTAATATTTTTATTTTATGTTAGAAAATAATTAAGAAATTTAAAGTACATTTTACTTTTA[C>T]AGGCATTGAAGAAAAATTTAGGCCTTTTTATTTAAGTCAATTAGAAGAAAGTGTAGAAGA-3'

ClinVar aggregate classification (germline): Uncertain significance (1 of 4 stars; one submission).

Submission:

Labcorp Genetics (formerly Invitae), Labcorp
Classification: Uncertain significance. Last evaluated: 2024-06-23. Review status: criteria provided, single submitter. Criteria: Invitae Variant Classification Sherloc (09022015). Collection method: clinical testing. Allele origin: germline.
Comment: This sequence change falls in intron 6 of the RIPK1 gene. It does not directly change the encoded amino acid sequence of the RIPK1 protein. It affects a nucleotide within the consensus splice site. This variant is not present in population databases (gnomAD no frequency). This variant has not been reported in the literature in individuals affected with RIPK1-related conditions. Variants that disrupt the consensus splice site are a relatively common cause of aberrant splicing (PMID: 17576681, 9536098). Algorithms developed to predict the effect of sequence changes on RNA splicing suggest that this variant is not likely to affect RNA splicing. In summary, the available evidence is currently insufficient to determine the role of this variant in disease. Therefore, it has been classified as a Variant of Uncertain Significance.

Literature cited by the submitters: PubMed 17576681; PubMed 9536098.